The following is an entry in ClinVar:

ClinVar aggregate classification (germline): Pathogenic (1 of 4 stars; one submission).

Submission:

Labcorp Genetics (formerly Invitae), Labcorp
Classification: Pathogenic. Last evaluated: 2021-04-06. Review status: criteria provided, single submitter. Criteria: Invitae Variant Classification Sherloc (09022015). Collection method: clinical testing. Allele origin: germline.
Comment: For these reasons, this variant has been classified as Pathogenic. This variant has not been reported in the literature in individuals with LMX1B-related conditions. This variant is not present in population databases (ExAC no frequency). This sequence change creates a premature translational stop signal (p.Tyr95*) in the LMX1B gene. It is expected to result in an absent or disrupted protein product. Loss-of-function variants in LMX1B are known to be pathogenic (PMID: 9590287, 15498463).

Literature cited by the submitters: PubMed 9590287; PubMed 15498463.

NM_001174147.2(LMX1B):c.285C>G (p.Tyr95Ter)

Gene: LMX1B (LIM homeobox transcription factor 1 beta; plus strand). Cytogenetic location: 9q33.3.
Variant type: single nucleotide variant.
Coding change: c.285C>G on transcript NM_001174147.2 (MANE Select); coding-DNA position 285, C replaced by G.
Protein change: p.Tyr95Ter; replaces tyrosine 95 with a stop codon.
Molecular consequence: nonsense.
Genome position (GRCh38, 1-based): chr9:126,615,528, C>G. VCF-style: chr9-126615528-C-G. GRCh37 (hg19) VCF-style: chr9-129377807-C-G.
Other names: c.285C>G, p.Tyr95Ter (NM_001174146.2, NM_002316.4); short protein forms Y95*.
Identifiers: ClinVar variation 1407352 (VCV001407352.6), dbSNP rs2118823701, ClinGen allele CA374910166.
Genomic context (GRCh38, chr9:126,615,528, plus strand): 5'-CTGGCACGAGGAGTGTTTGCAGTGCGCGGCGTGTCAGCAAGCCCTCACCACCAGCTGCTA[C>G]TTCCGGGATCGGAAACTGTACTGCAAACAAGACTACCAACAGTAAGCGCTTCTCGTCCTC-3'